The following is an entry in ClinVar:

ClinVar aggregate classification (germline): Uncertain significance (1 of 4 stars; one submission).

Conditions:
Inborn genetic diseases. Identifiers: MedGen C0950123, MeSH D030342.

Submission:

Ambry Genetics
Classification: Uncertain significance for Inborn genetic diseases. Last evaluated: 2026-03-17. Review status: criteria provided, single submitter. Criteria: Ambry Variant Classification Scheme 2023. Collection method: clinical testing. Allele origin: germline.
Comment: The p.S62N variant (also known as c.185G>A), located in coding exon 3 of the ETV6 gene, results from a G to A substitution at nucleotide position 185. The serine at codon 62 is replaced by asparagine, an amino acid with highly similar properties. This amino acid position is conserved. In addition, this alteration is predicted to be tolerated by in silico analysis. Based on the available evidence, the clinical significance of this variant remains unclear.

NM_001987.5(ETV6):c.185G>A (p.Ser62Asn)

Genes: ETV6 (ETS variant transcription factor 6; plus strand), LOC126861451 (BRD4-independent group 4 enhancer GRCh37_chr12:11991350-11992549; plus strand). Cytogenetic location: 12p13.2.
Variant type: single nucleotide variant.
Coding change: c.185G>A on transcript NM_001987.5 (MANE Select); coding-DNA position 185, G replaced by A.
Protein change: p.Ser62Asn; replaces serine 62 with asparagine.
Molecular consequence: missense variant. On other transcripts: 5 prime UTR variant (1).
Genome position (GRCh38, 1-based): chr12:11,839,161, G>A. VCF-style: chr12-11839161-G-A. GRCh37 (hg19) VCF-style: chr12-11992095-G-A.
Other names: c.182G>A, p.Ser61Asn (NM_001413913.1); c.158G>A, p.Ser53Asn (NM_001413914.1); c.-80G>A (NM_001413915.1); c.185G>A, p.Ser62Asn (NM_001413916.1, NM_001413917.1, NM_001413918.1); short protein forms S53N, S61N, S62N.
Identifiers: ClinVar variation 4870649 (VCV004870649.1).